The following is an entry in ClinVar:

ClinVar aggregate classification (germline): Uncertain significance (1 of 4 stars; one submission).

gnomAD v4.1: 6 of 1,614,064 alleles (0.00037%); highest among the groups gnomAD compares: Non-Finnish European, 0.00051%; no homozygotes.

Submission:

GeneDx
Classification: Uncertain significance. Last evaluated: 2025-02-21. Review status: criteria provided, single submitter. Criteria: GeneDx Variant Classification Process June 2021. Collection method: clinical testing. Allele origin: germline. Affected: yes.
Comment: Not observed at significant frequency in large population cohorts (gnomAD); In silico analysis indicates that this missense variant does not alter protein structure/function; Has not been previously published as pathogenic or benign to our knowledge

NM_001378454.1(ALMS1):c.5678C>T (p.Ser1893Phe)

Gene: ALMS1 (ALMS1 centrosome and basal body associated protein; plus strand). Cytogenetic location: 2p13.1.
Variant type: single nucleotide variant.
Coding change: c.5678C>T on transcript NM_001378454.1 (MANE Select); coding-DNA position 5678, C replaced by T.
Protein change: p.Ser1893Phe; replaces serine 1893 with phenylalanine.
Molecular consequence: missense variant.
Genome position (GRCh38, 1-based): chr2:73,452,205, C>T. VCF-style: chr2-73452205-C-T. GRCh37 (hg19) VCF-style: chr2-73679332-C-T.
Other names: c.5681C>T, p.Ser1894Phe (NM_015120.4); short protein forms S1893F, S1894F.
Identifiers: ClinVar variation 4076800 (VCV004076800.1).